The following is an entry in ClinVar:

ClinVar aggregate classification (germline): Uncertain significance. Review status: criteria provided, multiple submitters, no conflicts (2 of 4 stars). 3 submissions from 3 submitters: Uncertain significance (3). Last evaluated 2025-04-03.

Conditions:
Intellectual disability, autosomal dominant 16 (CSS4). Also called: COFFIN-SIRIS SYNDROME 4. Identifiers: Orphanet 1465, MedGen C3553249, MONDO:0013821, OMIM 614609.
Hereditary cancer-predisposing syndrome. Also called: Tumor predisposition; Hereditary Cancer Syndrome; Neoplastic Syndromes, Hereditary; Hereditary neoplastic syndrome. Identifiers: Orphanet 140162, MedGen C0027672, MeSH D009386, MONDO:0015356.
Rhabdoid tumor predisposition syndrome 2 (RTPS2). Identifiers: Orphanet 231108, Orphanet 69077, MedGen C2750074, MONDO:0013224, OMIM 613325.

Submissions (3):

Ambry Genetics
Classification: Uncertain significance for Hereditary cancer-predisposing syndrome. Last evaluated: 2025-04-03. Review status: criteria provided, single submitter. Criteria: Ambry Variant Classification Scheme 2023. Collection method: clinical testing. Allele origin: germline.
Comment: The p.A1094T variant (also known as c.3280G>A), located in coding exon 23 of the SMARCA4 gene, results from a G to A substitution at nucleotide position 3280. The alanine at codon 1094 is replaced by threonine, an amino acid with similar properties. This amino acid position is highly conserved in available vertebrate species. In addition, the in silico prediction for this alteration is inconclusive. Based on the available evidence, the clinical significance of this variant remains unclear.

Labcorp Genetics (formerly Invitae), Labcorp
Classification: Uncertain significance for Rhabdoid tumor predisposition syndrome 2. Last evaluated: 2025-01-08. Review status: criteria provided, single submitter. Criteria: Invitae Variant Classification Sherloc (09022015). Collection method: clinical testing. Allele origin: germline.
Comment: This sequence change replaces alanine, which is neutral and non-polar, with threonine, which is neutral and polar, at codon 1094 of the SMARCA4 protein (p.Ala1094Thr). This variant is not present in population databases (gnomAD no frequency). This variant has not been reported in the literature in individuals affected with SMARCA4-related conditions. ClinVar contains an entry for this variant (Variation ID: 823414). Invitae Evidence Modeling of protein sequence and biophysical properties (such as structural, functional, and spatial information, amino acid conservation, physicochemical variation, residue mobility, and thermodynamic stability) has been performed for this missense variant. However, the output from this modeling did not meet the statistical confidence thresholds required to predict the impact of this variant on SMARCA4 protein function. In summary, the available evidence is currently insufficient to determine the role of this variant in disease. Therefore, it has been classified as a Variant of Uncertain Significance.

Genome-Nilou Lab
Classification: Uncertain significance for Intellectual disability, autosomal dominant 16. Last evaluated: 2021-07-15. Review status: criteria provided, single submitter. Criteria: ACMG Guidelines, 2015. Collection method: clinical testing. Allele origin: germline. Affected: no.

NM_003072.5(SMARCA4):c.3280G>A (p.Ala1094Thr)

Gene: SMARCA4 (SWI/SNF related BAF chromatin remodeling complex subunit ATPase 4; plus strand). Cytogenetic location: 19p13.2.
Variant type: single nucleotide variant.
Coding change: c.3280G>A on transcript NM_003072.5 (MANE Select); coding-DNA position 3280, G replaced by A.
Protein change: p.Ala1094Thr; replaces alanine 1094 with threonine.
Molecular consequence: missense variant. On other transcripts: non-coding transcript variant (1).
Genome position (GRCh38, 1-based): chr19:11,027,848, G>A. VCF-style: chr19-11027848-G-A. GRCh37 (hg19) VCF-style: chr19-11138524-G-A.
Other names: c.3280G>A, p.Ala1094Thr (NM_001128844.3, NM_001128845.2, NM_001128846.2 and 4 more transcripts); short protein forms A1094T.
Identifiers: ClinVar variation 823414 (VCV000823414.17), dbSNP rs1600335831, ClinGen allele CA404061500.